The following is an entry in ClinVar:

NM_205861.3(DHDDS):c.292C>T (p.Arg98Trp)

Gene: DHDDS (dehydrodolichyl diphosphate synthase subunit; plus strand). Cytogenetic location: 1p36.11.
Variant type: single nucleotide variant.
Coding change: c.292C>T on transcript NM_205861.3 (MANE Select); coding-DNA position 292, C replaced by T.
Protein change: p.Arg98Trp; replaces arginine 98 with tryptophan.
Molecular consequence: missense variant.
Genome position (GRCh38, 1-based): chr1:26,442,842, C>T. VCF-style: chr1-26442842-C-T. GRCh37 (hg19) VCF-style: chr1-26769333-C-T.
Other names: c.292C>T, p.Arg98Trp (NM_001243564.2, NM_001243565.2, NM_024887.4); c.13C>T, p.Arg5Trp (NM_001319959.2); short protein forms R5W, R98W.
Identifiers: ClinVar variation 812306 (VCV000812306.11), dbSNP rs754564043, ClinGen allele CA705285.
Genomic context (GRCh38, chr1:26,442,842, plus strand): 5'-TTCAGCATTGAGAACTTCAAACGCTCCAAGAGTGAGGTAGACGGGCTTATGGATCTGGCC[C>T]GGCAGAAGTTCAGCCGCTTGATGGAAGAAAAGTAAGATGCTATCAGAGGGGAGAGCATGT-3'
Protein context (NP_995583.1, residues 88-108): SEVDGLMDLA[Arg98Trp]QKFSRLMEEK

ClinVar aggregate classification (germline): Conflicting classifications of pathogenicity. Review status: criteria provided, conflicting classifications (1 of 4 stars). 6 submissions from 6 submitters: Likely pathogenic (1); Uncertain significance (4). 1 of the submissions does not count toward it. Last evaluated 2026-01-11.

Conditions:
Retinal dystrophy. Also called: Inherited retinal dystrophy. Identifiers: Orphanet 71862, MedGen C0854723, MeSH D058499, MONDO:0019118, HP:0000556.
Developmental delay and seizures with or without movement abnormalities. Identifiers: MedGen C4693376, MONDO:0044326, OMIM 617836.
Retinitis pigmentosa 59 (RP59). Identifiers: Orphanet 791, MedGen C3151227, MONDO:0013468, OMIM 613861.
Retinitis pigmentosa (RP). Identifiers: Orphanet 791, MedGen C0035334, MeSH D012174, MONDO:0019200, OMIM 268000. Inheritance: Autosomal dominant, autosomal recessive and X linked inheritance.

Allele frequency attached by ClinVar (database versions not stated): gnomAD 0.00003; TOPMed 0.00003.
gnomAD v4.1: 87 of 1,613,942 alleles (0.0054%); highest among the groups gnomAD compares: South Asian, 0.0077%; no homozygotes.

Submissions (6):

Labcorp Genetics (formerly Invitae), Labcorp
Classification: Uncertain significance for Retinitis pigmentosa 59. Last evaluated: 2026-01-11. Review status: criteria provided, single submitter. Criteria: Invitae Variant Classification Sherloc (09022015). Collection method: clinical testing. Allele origin: germline.
Comment: This sequence change replaces arginine, which is basic and polar, with tryptophan, which is neutral and slightly polar, at codon 98 of the DHDDS protein (p.Arg98Trp). This variant is present in population databases (rs754564043, gnomAD 0.01%). This missense change has been observed in individual(s) with autosomal recessive retinitis pigmentosa (PMID: 29276052, 31456290, 37734845). ClinVar contains an entry for this variant (Variation ID: 812306). Invitae Evidence Modeling of protein sequence and biophysical properties (such as structural, functional, and spatial information, amino acid conservation, physicochemical variation, residue mobility, and thermodynamic stability) indicates that this missense variant is not expected to disrupt DHDDS protein function with a negative predictive value of 80%. In summary, the available evidence is currently insufficient to determine the role of this variant in disease. Therefore, it has been classified as a Variant of Uncertain Significance.

Women's Health and Genetics/Laboratory Corporation of America, LabCorp
Classification: Uncertain significance. Last evaluated: 2024-08-06. Review status: criteria provided, single submitter. Criteria: LabCorp Variant Classification Summary - May 2015. Collection method: clinical testing. Allele origin: germline.
Comment: Variant summary: DHDDS c.292C>T (p.Arg98Trp) results in a non-conservative amino acid change in the encoded protein sequence. Five of five in-silico tools predict a damaging effect of the variant on protein function. The variant allele was found at a frequency of 2.8e-05 in 251142 control chromosomes. The available data on variant occurrences in the general population are insufficient to allow any conclusion about variant significance. c.292C>T has been reported in the literature in individuals affected with Retinitis Pigmentosa (e.g. Kimchi_2018, Sharon_2020, Weisschuh_2024). These data do not allow any conclusion about variant significance. To our knowledge, no experimental evidence demonstrating an impact on protein function has been reported. The following publications have been ascertained in the context of this evaluation (PMID: 29276052, 31456290, 37734845). ClinVar contains an entry for this variant (Variation ID: 812306). Based on the evidence outlined above, the variant was classified as uncertain significance.

Blueprint Genetics
Classification: Uncertain significance. Last evaluated: 2024-02-09. Review status: criteria provided, single submitter. Criteria: ACMG Guidelines, 2015. Collection method: clinical testing. Allele origin: germline.

Dept Of Ophthalmology, Nagoya University
Classification: Likely pathogenic for Retinal dystrophy. Last evaluated: 2023-10-01. Review status: criteria provided, single submitter. Criteria: Submitter's publication. Collection method: research. Allele origin: germline. Affected: yes.

Fulgent Genetics
Classification: Uncertain significance for Retinitis pigmentosa 59; Developmental delay and seizures with or without movement abnormalities. Last evaluated: 2021-12-06. Review status: criteria provided, single submitter. Criteria: ACMG Guidelines, 2015. Collection method: clinical testing. Allele origin: unknown.

Sharon lab, Hadassah-Hebrew University Medical Center
Classification: Likely pathogenic for Retinitis pigmentosa. Last evaluated: 2019-06-23. Review status: no assertion criteria provided. Collection method: research. Allele origin: inherited. Affected: yes. Not counted in ClinVar's aggregate classification.

Literature cited by the submitters: PubMed 29276052 (cited by Labcorp Genetics (formerly Invitae), Labcorp and Women's Health and Genetics/Laboratory Corporation of America, LabCorp); PubMed 31456290 (cited by Labcorp Genetics (formerly Invitae), Labcorp and Women's Health and Genetics/Laboratory Corporation of America, LabCorp); PubMed 37734845 (cited by Labcorp Genetics (formerly Invitae), Labcorp and Women's Health and Genetics/Laboratory Corporation of America, LabCorp).